The following is an entry in ClinVar:

ClinVar aggregate classification (germline): Conflicting classifications of pathogenicity. Review status: criteria provided, conflicting classifications (1 of 4 stars). 16 submissions from 12 submitters: Uncertain significance (10); Likely benign (4). 2 of the submissions do not count toward it. Last evaluated 2026-02-01.

Conditions:
TTN-related disorder. Also called: TTN-related condition; TTN-related disease; TTN-related disorders.
Cardiomyopathy (CMYO). Also called: Cardiomyopathies. Identifiers: Orphanet 167848, MedGen C0878544, MONDO:0004994, HP:0001638. Inheritance: Various modes of inheritance.
Early-onset myopathy with fatal cardiomyopathy (CMYO5). Also called: CONGENITAL MYOPATHY 5 WITH CARDIOMYOPATHY; Salih Myopathy. Identifiers: Orphanet 289377, MedGen C2673677, MONDO:0012714, OMIM 611705. Disease mechanism: loss of function.
Cardiovascular phenotype. Identifiers: MedGen CN230736.
Myopathy, myofibrillar, 9, with early respiratory failure (MFM9). Also called: Myopathy, distal, with early respiratory failure, autosomal dominant; Hereditary myopathy with early respiratory failure; MYOPATHY, PROXIMAL, WITH EARLY RESPIRATORY MUSCLE INVOLVEMENT; EDSTROM MYOPATHY. Identifiers: Orphanet 178464, Orphanet 34521, MedGen C1863599, MONDO:0011362, OMIM 603689.
Autosomal recessive limb-girdle muscular dystrophy type 2J (LGMDR10). Also called: Limb-girdle muscular dystrophy, type 2J; MUSCULAR DYSTROPHY, LIMB-GIRDLE, AUTOSOMAL RECESSIVE 10. Identifiers: Orphanet 140922, MedGen C1837342, MONDO:0012127, OMIM 608807.
Tibial muscular dystrophy (TMD). Also called: Udd Distal Myopathy – Tibial Muscular Dystrophy; Tibial muscular dystrophy, tardive; UDD MYOPATHY. Identifiers: Orphanet 609, MedGen C1838244, MONDO:0010870, OMIM 600334.
Dilated cardiomyopathy 1G (CMD1G). Identifiers: Orphanet 154, MedGen C1858763, MONDO:0011400, OMIM 604145.
Hypertrophic cardiomyopathy. Also called: HYPERTROPHIC MYOCARDIOPATHY. Identifiers: Orphanet 217569, MedGen C0007194, MeSH D002312, MONDO:0005045, HP:0001639.

Allele frequency attached by ClinVar (database versions not stated): TOPMed 0.00005; ExAC 0.00006; gnomAD 0.00011.
gnomAD v4.1: 82 of 1,603,414 alleles (0.0051%); highest among the groups gnomAD compares: Non-Finnish European, 0.006%; no homozygotes.

Submissions (16):

CeGaT Center for Human Genetics Tuebingen
Classification: Uncertain significance. Last evaluated: 2026-02-01. Review status: criteria provided, single submitter. Criteria: CeGaT Center For Human Genetics Tuebingen Variant Classification Criteria Version 2. Collection method: clinical testing. Allele origin: germline. Affected: yes. Observed: 2 variant alleles.
Comment: TTN: PM2

PreventionGenetics, part of Exact Sciences
Classification: Uncertain significance for TTN-related condition. Last evaluated: 2025-07-29. Review status: criteria provided, single submitter. Criteria: ACMG Guidelines, 2015. Collection method: clinical testing. Allele origin: germline.
Comment: The TTN c.51712C>T variant is predicted to result in the amino acid substitution p.Pro17238Ser. This variant has been reported in both control and affected individuals with dilated cardiomyopathy (Table S4, Franaszczyk et al. 2017. PubMed ID: 28045975; Table S4, Mazzarotto et al. 2020. PubMed ID: 31983221). This variant is reported in 0.013% of alleles in individuals of European (Non-Finnish) descent in gnomAD. At this time, the clinical significance of this variant is uncertain due to the absence of conclusive functional and genetic evidence.

Women's Health and Genetics/Laboratory Corporation of America, LabCorp
Classification: Uncertain significance. Last evaluated: 2025-06-23. Review status: criteria provided, single submitter. Criteria: LabCorp Variant Classification Summary - May 2015. Collection method: clinical testing. Allele origin: germline.
Comment: Variant summary: TTN c.44008C>T (p.Pro14670Ser) results in a non-conservative amino acid change in the encoded protein sequence. Algorithms developed to predict the effect of missense changes on protein structure and function are either unavailable or do not agree on the potential impact of this missense change. The variant allele was found at a frequency of 6.2e-05 in 242924 control chromosomes (gnomAD). This frequency is not significantly higher than estimated for a pathogenic variant in TTN causing Dilated Cardiomyopathy (6.2e-05 vs 0.00039), allowing no conclusion about variant significance. c.44008C>T has been observed in one individual affected with Dilated Cardiomyopathy (Franaszczyk_2017). The report does not provide unequivocal conclusions about association of the variant with Dilated Cardiomyopathy. To our knowledge, no experimental evidence demonstrating an impact on protein function has been reported. The following publication have been ascertained in the context of this evaluation (PMID: 28045975). ClinVar contains an entry for this variant (Variation ID: 501556). Based on the evidence outlined above, the variant was classified as uncertain significance.

Revvity Omics, Revvity
Classification: Uncertain significance. Last evaluated: 2024-06-13. Review status: criteria provided, single submitter. Criteria: ACMG Guidelines, 2015. Collection method: clinical testing. Allele origin: germline.

Ambry Genetics
Classification: Likely benign for Cardiovascular phenotype. Last evaluated: 2020-03-24. Review status: criteria provided, single submitter. Criteria: Ambry Variant Classification Scheme 2023. Collection method: clinical testing. Allele origin: germline.

GeneDx
Classification: Likely benign. Last evaluated: 2019-10-14. Review status: criteria provided, single submitter. Criteria: GeneDx Variant Classification Process June 2021. Collection method: clinical testing. Allele origin: germline. Affected: yes.

CHEO Genetics Diagnostic Laboratory, Children's Hospital of Eastern Ontario
Classification: Uncertain significance for Cardiomyopathy. Last evaluated: 2019-09-04. Review status: criteria provided, single submitter. Criteria: ACMG Guidelines, 2015. Collection method: clinical testing. Allele origin: germline.

Illumina Laboratory Services, Illumina
Classification: Uncertain significance for Autosomal recessive limb-girdle muscular dystrophy type 2J. Last evaluated: 2018-01-13. Review status: criteria provided, single submitter. Criteria: ICSL Variant Classification Criteria 13 December 2019. Collection method: clinical testing. Allele origin: germline.

Illumina Laboratory Services, Illumina
Classification: Uncertain significance for Dilated cardiomyopathy 1G. Last evaluated: 2018-01-13. Review status: criteria provided, single submitter. Criteria: ICSL Variant Classification Criteria 13 December 2019. Collection method: clinical testing. Allele origin: germline.

Illumina Laboratory Services, Illumina
Classification: Likely benign for Myopathy, myofibrillar, 9, with early respiratory failure. Last evaluated: 2018-01-13. Review status: criteria provided, single submitter. Criteria: ICSL Variant Classification Criteria 13 December 2019. Collection method: clinical testing. Allele origin: germline.
Comment: This variant was observed in the ICSL laboratory as part of a predisposition screen in an ostensibly healthy population. It had not been previously curated by ICSL or reported in the Human Gene Mutation Database (HGMD: prior to June 1st, 2018), and was therefore a candidate for classification through an automated scoring system. Utilizing variant allele frequency, disease prevalence and penetrance estimates, and inheritance mode, an automated score was calculated to assess if this variant is too frequent to cause the disease. Based on the score and internal cut-off values, a variant classified as likely benign is not then subjected to further curation. The score for this variant resulted in a classification of likely benign for this disease.

Illumina Laboratory Services, Illumina
Classification: Likely benign for Tibial muscular dystrophy. Last evaluated: 2018-01-13. Review status: criteria provided, single submitter. Criteria: ICSL Variant Classification Criteria 13 December 2019. Collection method: clinical testing. Allele origin: germline.
Comment: the same text as in the submission from Illumina Laboratory Services, Illumina above.

Illumina Laboratory Services, Illumina
Classification: Uncertain significance for Early-onset myopathy with fatal cardiomyopathy. Last evaluated: 2018-01-13. Review status: criteria provided, single submitter. Criteria: ICSL Variant Classification Criteria 13 December 2019. Collection method: clinical testing. Allele origin: germline.

Center for Advanced Laboratory Medicine, UC San Diego Health, University of California San Diego
Classification: Uncertain significance for Hypertrophic cardiomyopathy. Last evaluated: 2017-07-06. Review status: criteria provided, single submitter. Criteria: ACMG Guidelines, 2015. Collection method: clinical testing. Allele origin: germline. Affected: yes. Observed: 1 variant allele.

Eurofins Ntd Llc (ga)
Classification: Uncertain significance. Last evaluated: 2017-04-26. Review status: criteria provided, single submitter. Criteria: EGL Classification Definitions 2015. Collection method: clinical testing. Allele origin: germline. Observed: 1 variant allele, 1 heterozygote.

Clinical Genetics DNA and cytogenetics Diagnostics Lab, Erasmus MC, Erasmus Medical Center
Classification: Uncertain significance. Review status: no assertion criteria provided. Collection method: clinical testing. Allele origin: germline. Affected: yes. Study: VKGL Data-share Consensus. Not counted in ClinVar's aggregate classification.

Genome Diagnostics Laboratory, University Medical Center Utrecht
Classification: Uncertain significance. Review status: no assertion criteria provided. Collection method: clinical testing. Allele origin: germline. Affected: yes. Study: VKGL Data-share Consensus. Not counted in ClinVar's aggregate classification.

Literature cited by the submitters: PubMed 28045975 (cited by Women's Health and Genetics/Laboratory Corporation of America, LabCorp).

NM_001267550.2(TTN):c.51712C>T (p.Pro17238Ser)

Genes: TTN (titin; minus strand), TTN-AS1 (TTN antisense RNA 1; plus strand). Cytogenetic location: 2q31.2.
Variant type: single nucleotide variant.
Coding change: c.51712C>T on transcript NM_001267550.2 (MANE Select); coding-DNA position 51712, C replaced by T.
Protein change: p.Pro17238Ser; replaces proline 17238 with serine.
Molecular consequence: missense variant.
Genome position (GRCh38, 1-based): chr2:178,609,711, G>A on the plus strand (C>T on the coding strand, the complement: TTN is on the minus strand). VCF-style: chr2-178609711-G-A. GRCh37 (hg19) VCF-style: chr2-179474438-G-A.
Other names: c.46789C>T, p.Pro15597Ser (NM_001256850.1); c.24517C>T, p.Pro8173Ser (NM_003319.4); c.44008C>T, p.Pro14670Ser (NM_133378.4); c.24892C>T, p.Pro8298Ser (NM_133432.3); c.25093C>T, p.Pro8365Ser (NM_133437.4); short protein forms P14670S, P17238S, P8173S, P8298S, P15597S, P8365S.
Identifiers: ClinVar variation 501556 (VCV000501556.56), dbSNP rs773035917, ClinGen allele CA1994134.